The following is an entry in ClinVar:

ClinVar aggregate classification (germline): Pathogenic (1 of 4 stars; one submission).

Conditions:
Retinitis pigmentosa 12 (RP12). Also called: RP WITH OR WITHOUT PPRPE; RP WITH OR WITHOUT PRESERVED PARAARTERIOLE RETINAL PIGMENT EPITHELIUM; RETINITIS PIGMENTOSA WITH OR WITHOUT PARAARTERIOLAR PRESERVATION OF RETINAL PIGMENT EPITHELIUM. Identifiers: Orphanet 791, MedGen C1838647, MONDO:0010818, OMIM 600105.
Leber congenital amaurosis 8 (LCA8). Identifiers: Orphanet 65, MedGen C3151202, MONDO:0013453, OMIM 613835.

Submission:

Labcorp Genetics (formerly Invitae), Labcorp
Classification: Pathogenic for Leber congenital amaurosis 8; Retinitis pigmentosa 12. Last evaluated: 2022-09-18. Review status: criteria provided, single submitter. Criteria: Invitae Variant Classification Sherloc (09022015). Collection method: clinical testing. Allele origin: germline.
Comment: This sequence change creates a premature translational stop signal (p.Ile605Tyrfs*16) in the CRB1 gene. It is expected to result in an absent or disrupted protein product. Loss-of-function variants in CRB1 are known to be pathogenic (PMID: 10508521, 22065545, 23379534, 25412400, 26957898, 28041643, 29391521). This variant is not present in population databases (gnomAD no frequency). This variant has not been reported in the literature in individuals affected with CRB1-related conditions. For these reasons, this variant has been classified as Pathogenic.

Literature cited by the submitters: PubMed 10508521; PubMed 22065545; PubMed 23379534; PubMed 25412400; PubMed 26957898; PubMed 28041643; PubMed 29391521.

NM_201253.3(CRB1):c.1813del (p.Ile605fs)

Gene: CRB1 (crumbs cell polarity complex component 1; plus strand). Cytogenetic location: 1q31.3.
Variant type: Deletion.
Coding change: c.1813del on transcript NM_201253.3 (MANE Select); coding-DNA position 1813, one base deleted (A; older notation c.1813delA).
Protein change: p.Ile605fs; shifts the reading frame from isoleucine 605.
Molecular consequence: frameshift variant. On other transcripts: non-coding transcript variant (1).
Genome position (GRCh38, 1-based): chr1:197,421,641, A deleted; the last of 2 consecutive A bases (chr1:197,421,640-197,421,641); deleting either gives the same sequence. VCF-style (leftmost placement, unchanged base first): chr1-197421639-CA-C. GRCh37 (hg19) VCF-style: chr1-197390769-CA-C.
Other names: c.1477del, p.Ile493fs (NM_001193640.2); c.1606del, p.Ile536fs (NM_001257965.2); c.1813del, p.Ile605fs (NM_001257966.2); short protein forms I493fs, I536fs, I605fs.
Identifiers: ClinVar variation 2186416 (VCV002186416.4), dbSNP rs1664329331, ClinGen allele CA1218063215.